The following is an entry in ClinVar:

NM_007294.4(BRCA1):c.4654_4655insC (p.Tyr1552fs)

Gene: BRCA1 (BRCA1 DNA repair associated; minus strand). Cytogenetic location: 17q21.31.
Variant type: Insertion.
Coding change: c.4654_4655insC on transcript NM_007294.4 (MANE Select); coding-DNA positions 4654 to 4655, C inserted.
Protein change: p.Tyr1552fs; shifts the reading frame from tyrosine 1552.
Molecular consequence: frameshift variant. On other transcripts: non-coding transcript variant (1).
Genome position: GRCh38 VCF-style: chr17-43074351-T-TG. GRCh37 (hg19) VCF-style: chr17-41226368-T-TG.
Other names: c.4654_4655insC, p.Tyr1552Serfs (NM_001407602.1, NM_001407603.1, NM_001407605.1 and 8 more transcripts); c.4387_4388insC, p.Tyr1463Serfs (NM_001407928.1, NM_001407929.1, NM_001407930.1 and 4 more transcripts); c.4651_4652insC, p.Tyr1551Serfs (NM_001407610.1, NM_001407611.1, NM_001407618.1 and 17 more transcripts); c.4531_4532insC, p.Tyr1511Serfs (NM_001407937.1, NM_001407938.1, NM_001407664.1 and 6 more transcripts); c.4384_4385insC, p.Tyr1462Serfs (NM_001407935.1, NM_001407936.1, NM_001407934.1); c.4441_4442insC, p.Tyr1481Serfs (NM_001407571.1, NM_001407894.1, NM_001407895.1 and 12 more transcripts); c.4720_4721insC, p.Tyr1574Serfs (NM_001407581.1, NM_001407582.1); c.4717_4718insC, p.Tyr1573Serfs (NM_001407583.1, NM_001407585.1, NM_001407587.1); and 71 more; short protein forms Y1552fs, Y1573fs, Y448fs, Y1505fs.
Identifiers: ClinVar variation 531389 (VCV000531389.8), dbSNP rs1555581824, ClinGen allele CA658798840.

ClinVar aggregate classification (germline): Pathogenic (1 of 4 stars; one submission).

Conditions:
Hereditary breast ovarian cancer syndrome. Also called: Hereditary breast and ovarian cancer syndrome (HBOC); BRCA1- and BRCA2-Associated Hereditary Breast and Ovarian Cancer; Hereditary breast and ovarian cancer syndrome; Breast and ovarian cancer; Hereditary breast and ovarian cancer; Hereditary breast and/or ovarian cancer syndrome. Identifiers: Orphanet 145, MedGen C0677776, MeSH D061325, MONDO:0003582. Disease mechanism: loss of function.

Submission:

Labcorp Genetics (formerly Invitae), Labcorp
Classification: Pathogenic for Hereditary breast ovarian cancer syndrome. Last evaluated: 2017-10-03. Review status: criteria provided, single submitter. Criteria: Invitae Variant Classification Sherloc (09022015). Collection method: clinical testing. Allele origin: germline.
Comment: For these reasons, this variant has been classified as Pathogenic. Loss-of-function variants in BRCA1 are known to be pathogenic (PMID: 20104584). This variant has not been reported in the literature in individuals with BRCA1-related disease. This variant is not present in population databases (ExAC no frequency). This sequence change creates a premature translational stop signal (p.Tyr1552Serfs*22) in the BRCA1 gene. It is expected to result in an absent or disrupted protein product.

Literature cited by the submitters: PubMed 20104584.